The following is an entry in ClinVar:

NM_000038.6(APC):c.1180C>T (p.Gln394Ter)

Gene: APC (APC regulator of Wnt signaling pathway; plus strand). Cytogenetic location: 5q22.2.
Variant type: single nucleotide variant.
Coding change: c.1180C>T on transcript NM_000038.6 (MANE Select); coding-DNA position 1180, C replaced by T.
Protein change: p.Gln394Ter; replaces glutamine 394 with a stop codon.
Molecular consequence: nonsense. On other transcripts: intron variant (4).
Genome position (GRCh38, 1-based): chr5:112,819,212, C>T. VCF-style: chr5-112819212-C-T. GRCh37 (hg19) VCF-style: chr5-112154909-C-T.
Other names: c.331C>T, p.Gln111Ter (NM_001354906.2); c.964-57C>T (NM_001354902.2); c.859-57C>T (NM_001354904.2); c.934-57C>T (NM_001354903.2); c.757-57C>T (NM_001354905.2); c.1180C>T, p.Gln394Ter (NM_001127510.3, NM_001354895.2, NM_001354896.2); c.1126C>T, p.Gln376Ter (NM_001127511.3); c.1210C>T, p.Gln404Ter (NM_001354897.2); and 3 more; short protein forms Q335*, Q366*, Q394*, Q111*, Q376*, Q369*, Q404*.
Identifiers: ClinVar variation 818506 (VCV000818506.15), dbSNP rs770507436, ClinGen allele CA16023889.

ClinVar aggregate classification (germline): Pathogenic. Review status: criteria provided, multiple submitters, no conflicts (2 of 4 stars). 3 submissions from 3 submitters: Pathogenic (3). Last evaluated 2023-12-18.

Conditions:
Hereditary cancer-predisposing syndrome. Also called: Tumor predisposition; Hereditary neoplastic syndrome; Neoplastic Syndromes, Hereditary; Hereditary Cancer Syndrome. Identifiers: Orphanet 140162, MedGen C0027672, MeSH D009386, MONDO:0015356.
Familial adenomatous polyposis 1 (FAP1). Also called: FAMILIAL ADENOMATOUS POLYPOSIS 1, ATTENUATED; POLYPOSIS, ADENOMATOUS INTESTINAL. Identifiers: MedGen C2713442, MONDO:0021056, OMIM 175100. Disease mechanism: loss of function.

Submissions (3):

Labcorp Genetics (formerly Invitae), Labcorp
Classification: Pathogenic for Familial adenomatous polyposis 1. Last evaluated: 2023-12-18. Review status: criteria provided, single submitter. Criteria: Invitae Variant Classification Sherloc (09022015). Collection method: clinical testing. Allele origin: germline.
Comment: This sequence change creates a premature translational stop signal (p.Gln394*) in the APC gene. It is expected to result in an absent or disrupted protein product. Loss-of-function variants in APC are known to be pathogenic (PMID: 17963004, 20685668). This variant is not present in population databases (gnomAD no frequency). This premature translational stop signal has been observed in individual(s) with APC-related conditions (PMID: 11001924, 25604157). ClinVar contains an entry for this variant (Variation ID: 818506). For these reasons, this variant has been classified as Pathogenic.

Myriad Genetics, Inc.
Classification: Pathogenic for Familial adenomatous polyposis 1. Last evaluated: 2023-04-28. Review status: criteria provided, single submitter. Criteria: Myriad Autosomal Dominant, Autosomal Recessive and X-Linked Classification Criteria (2023). Collection method: clinical testing. Allele origin: unknown.
Comment: This variant is considered pathogenic. This variant creates a termination codon and is predicted to result in premature protein truncation.

Ambry Genetics
Classification: Pathogenic for Hereditary cancer-predisposing syndrome. Last evaluated: 2023-02-14. Review status: criteria provided, single submitter. Criteria: Ambry Variant Classification Scheme 2023. Collection method: clinical testing. Allele origin: germline.
Comment: The p.Q394* pathogenic mutation (also known as c.1180C>T), located in coding exon 9 of the APC gene, results from a C to T substitution at nucleotide position 1180. This changes the amino acid from a glutamine to a stop codon within coding exon 9. This alteration has been identified in individuals with adenomatous polyposis of the colon (Out AA et al. Fam. Cancer 2015 Jun;14:247-57; Lamlum H et al. Hum. Mol. Genet. 2000 Sep;9:2215-21). In addition to the clinical data presented in the literature, this alteration is expected to result in loss of function by premature protein truncation or nonsense-mediated mRNA decay. This variant is considered to be rare based on population cohorts in the Genome Aggregation Database (gnomAD). As such, this alteration is interpreted as a disease-causing mutation.

Literature cited by the submitters: PubMed 17963004 (cited by Labcorp Genetics (formerly Invitae), Labcorp); PubMed 20685668 (cited by Labcorp Genetics (formerly Invitae), Labcorp); PubMed 11001924 (cited by Labcorp Genetics (formerly Invitae), Labcorp and Ambry Genetics); PubMed 25604157 (cited by Labcorp Genetics (formerly Invitae), Labcorp and Ambry Genetics).